The following is an entry in ClinVar:

NM_004006.3(DMD):c.9936dup (p.Cys3313fs)

Gene: DMD (dystrophin; minus strand). Cytogenetic location: Xp21.2.
Variant type: Duplication.
Coding change: c.9936dup on transcript NM_004006.3 (MANE Select); coding-DNA position 9936, one base duplicated (A; older notation c.9936dupA).
Protein change: p.Cys3313fs; shifts the reading frame from cysteine 3313.
Molecular consequence: frameshift variant.
Genome position (GRCh38, 1-based): chrX:31,182,776, T duplicated on the plus strand (A on the coding strand, the reverse complement: DMD is on the minus strand); the first of 3 consecutive T bases (chrX:31,182,776-31,182,778); duplicating any one gives the same sequence. VCF-style (leftmost placement, unchanged base first): chrX-31182775-A-AT. GRCh37 (hg19) VCF-style: chrX-31200892-A-AT.
Other names: c.9912dup, p.Cys3305fs (NM_000109.4); c.9924dup, p.Cys3309fs (NM_004009.3); c.9567dup, p.Cys3190fs (NM_004010.3); c.5913dup, p.Cys1972fs (NM_004011.4); c.5904dup, p.Cys1969fs (NM_004012.4); c.2556dup, p.Cys853fs (NM_004013.3, NM_004020.4, NM_004021.3 and 2 more transcripts); c.1749dup, p.Cys584fs (NM_004014.3); c.732dup, p.Cys245fs (NM_004015.3, NM_004016.3, NM_004017.3 and 2 more transcripts); short protein forms C1972fs, C3309fs, C245fs, C584fs, C853fs, C1969fs, C3190fs, C3313fs.
Identifiers: ClinVar variation 4719400 (VCV004719400.1).

ClinVar aggregate classification (germline): Pathogenic (1 of 4 stars; one submission).

Conditions:
Duchenne muscular dystrophy (DMD). Also called: MUSCULAR DYSTROPHY, PSEUDOHYPERTROPHIC PROGRESSIVE, DUCHENNE TYPE; Duchenne Muscular Dystrophy (DMD). Identifiers: Orphanet 98896, MedGen C0013264, MONDO:0010679, OMIM 310200.

Submission:

Labcorp Genetics (formerly Invitae), Labcorp
Classification: Pathogenic for Duchenne muscular dystrophy. Last evaluated: 2025-05-11. Review status: criteria provided, single submitter. Criteria: Invitae Variant Classification Sherloc (09022015). Collection method: clinical testing. Allele origin: germline.
Comment: This sequence change creates a premature translational stop signal (p.Cys3313Metfs*2) in the DMD gene. It is expected to result in an absent or disrupted protein product. Loss-of-function variants in DMD are known to be pathogenic (PMID: 16770791, 25007885). This variant is not present in population databases (gnomAD no frequency). This variant has not been reported in the literature in individuals affected with DMD-related conditions. For these reasons, this variant has been classified as Pathogenic.

Literature cited by the submitters: PubMed 16770791; PubMed 25007885.